The following is an entry in ClinVar:

ClinVar aggregate classification (germline): Conflicting classifications of pathogenicity. Review status: criteria provided, conflicting classifications (1 of 4 stars). 7 submissions from 7 submitters: Uncertain significance (4); Likely benign (2). 1 of the submissions does not count toward it. Last evaluated 2026-01-11.

Conditions:
USH2A-related disorder. Also called: USH2A-related condition; USH2A-related disorders. Identifiers: MedGen CN239332.
Inborn genetic diseases. Identifiers: MedGen C0950123, MeSH D030342.

Allele frequency attached by ClinVar (database versions not stated): gnomAD exomes 0.00010; ExAC 0.00014; 1000 Genomes Project 30x 0.00016; TOPMed 0.00017; gnomAD 0.00019; 1000 Genomes Project 0.00020; ESP Exome Variant Server 0.00031.
gnomAD v4.1: 359 of 1,613,988 alleles (0.022%); highest among the groups gnomAD compares: Non-Finnish European, 0.028%; no homozygotes.

Submissions (7):

Labcorp Genetics (formerly Invitae), Labcorp
Classification: Likely benign. Last evaluated: 2026-01-11. Review status: criteria provided, single submitter. Criteria: Invitae Variant Classification Sherloc (09022015). Collection method: clinical testing. Allele origin: germline.

Blueprint Genetics
Classification: Uncertain significance. Last evaluated: 2024-06-05. Review status: criteria provided, single submitter. Criteria: ACMG Guidelines, 2015. Collection method: clinical testing. Allele origin: germline.

GeneDx
Classification: Uncertain significance. Last evaluated: 2024-05-16. Review status: criteria provided, single submitter. Criteria: GeneDx Variant Classification Process June 2021. Collection method: clinical testing. Allele origin: germline. Affected: yes.
Comment: In silico analysis indicates that this missense variant does not alter protein structure/function; Has not been previously published as pathogenic or benign to our knowledge

Ambry Genetics
Classification: Uncertain significance for Inborn genetic diseases. Last evaluated: 2021-08-12. Review status: criteria provided, single submitter. Criteria: Ambry Variant Classification Scheme 2023. Collection method: clinical testing. Allele origin: germline.

CeGaT Center for Human Genetics Tuebingen
Classification: Uncertain significance. Last evaluated: 2018-03-01. Review status: criteria provided, single submitter. Criteria: CeGaT Center For Human Genetics Tuebingen Variant Classification Criteria Version 2. Collection method: clinical testing. Allele origin: germline. Affected: yes. Observed: 1 variant allele.

Laboratory for Molecular Medicine, Mass General Brigham Personalized Medicine
Classification: Likely benign. Last evaluated: 2014-04-28. Review status: criteria provided, single submitter. Criteria: LMM Criteria. Collection method: clinical testing. Allele origin: germline. Observed: 1 variant allele.
Comment: Arg5125His in exon 71 of USH2A: This variant is not expected to have clinical si gnificance because the amino acid residue at this position is not conserved acro ss species with several mammals (inluding pig, horse, and megabat) having a hist idine (His), suggesting that the variant may be tolerated. In addition, it been identified in 0.04% (3/8600) of European American chromosomes and in 0.02% (1/44 06) of African American chromosomes by the NHLBI Exome Sequencing Project (dbSNP rs189729452).

PreventionGenetics, part of Exact Sciences
Classification: Uncertain significance for USH2A-related condition. Last evaluated: 2024-09-27. Review status: no assertion criteria provided. Collection method: clinical testing. Allele origin: germline. Not counted in ClinVar's aggregate classification.
Comment: The USH2A c.15374G>A variant is predicted to result in the amino acid substitution p.Arg5125His. To our knowledge, this variant has not been reported in the literature. This variant is reported in 0.018% of alleles in individuals of European (Non-Finnish) descent in gnomAD. At this time, the clinical significance of this variant is uncertain due to the absence of conclusive functional and genetic evidence.

NM_206933.4(USH2A):c.15374G>A (p.Arg5125His)

Gene: USH2A (usherin; minus strand). Cytogenetic location: 1q41.
Variant type: single nucleotide variant.
Coding change: c.15374G>A on transcript NM_206933.4 (MANE Select); coding-DNA position 15374, G replaced by A.
Protein change: p.Arg5125His; replaces arginine 5125 with histidine.
Molecular consequence: missense variant.
Genome position (GRCh38, 1-based): chr1:215,628,959, C>T on the plus strand (G>A on the coding strand, the complement: USH2A is on the minus strand). VCF-style: chr1-215628959-C-T. GRCh37 (hg19) VCF-style: chr1-215802301-C-T.
Other names: short protein forms R5125H.
Identifiers: ClinVar variation 166414 (VCV000166414.58), dbSNP rs189729452, ClinGen allele CA179501.
Genomic context (GRCh38, chr1:215,628,959, plus strand): 5'-ACGCTGCGGTGAAGAGAACCCTGGGAGTAGGTTAGGCTGGTTTGGTTTTGACTCGGGATG[C>T]GCAGGACACATGCACTCCGGTTGCTGCGGATACTCACAGGTGTCCCAGACCGGGGAATTT-3'
Protein context (NP_996816.3, residues 5115-5135): IRSNRSACVL[Arg5125His]IPSQNQTSLT